The following is an entry in ClinVar:

ClinVar aggregate classification (germline): Conflicting classifications of pathogenicity. Review status: criteria provided, conflicting classifications (1 of 4 stars). 2 submissions from 2 submitters: Uncertain significance (1); Likely benign (1). Last evaluated 2025-04-10.

Conditions:
Primary dilated cardiomyopathy (DCM). Also called: Dilated Cardiomyopathy. Identifiers: Orphanet 217604, MedGen C0007193, MeSH D002311, MONDO:0005021, HP:0001644. Inheritance: Various modes of inheritance.
Hypertrophic cardiomyopathy. Also called: HYPERTROPHIC MYOCARDIOPATHY. Identifiers: Orphanet 217569, MedGen C0007194, MeSH D002312, MONDO:0005045, HP:0001639.

Submissions (2):

Ambry Genetics
Classification: Likely benign. Last evaluated: 2025-04-10. Review status: criteria provided, single submitter. Criteria: Ambry Variant Classification Scheme 2023. Collection method: clinical testing. Allele origin: germline.

Labcorp Genetics (formerly Invitae), Labcorp
Classification: Uncertain significance for Hypertrophic cardiomyopathy; Primary dilated cardiomyopathy. Last evaluated: 2024-09-24. Review status: criteria provided, single submitter. Criteria: Invitae Variant Classification Sherloc (09022015). Collection method: clinical testing. Allele origin: germline.
Comment: This sequence change replaces arginine, which is basic and polar, with lysine, which is basic and polar, at codon 290 of the PDLIM3 protein (p.Arg290Lys). This variant is not present in population databases (gnomAD no frequency). This variant has not been reported in the literature in individuals affected with PDLIM3-related conditions. Invitae Evidence Modeling of protein sequence and biophysical properties (such as structural, functional, and spatial information, amino acid conservation, physicochemical variation, residue mobility, and thermodynamic stability) indicates that this missense variant is not expected to disrupt PDLIM3 protein function with a negative predictive value of 80%. In summary, the available evidence is currently insufficient to determine the role of this variant in disease. Therefore, it has been classified as a Variant of Uncertain Significance.

NM_014476.6(PDLIM3):c.869G>A (p.Arg290Lys)

Gene: PDLIM3 (PDZ and LIM domain 3; minus strand). Cytogenetic location: 4q35.1.
Variant type: single nucleotide variant.
Coding change: c.869G>A on transcript NM_014476.6 (MANE Select); coding-DNA position 869, G replaced by A.
Protein change: p.Arg290Lys; replaces arginine 290 with lysine.
Molecular consequence: missense variant. On other transcripts: non-coding transcript variant (1).
Genome position (GRCh38, 1-based): chr4:185,504,511, C>T on the plus strand (G>A on the coding strand, the complement: PDLIM3 is on the minus strand). VCF-style: chr4-185504511-C-T. GRCh37 (hg19) VCF-style: chr4-186425665-C-T.
Other names: c.725G>A, p.Arg242Lys (NM_001114107.5); c.605G>A, p.Arg202Lys (NM_001257962.2); c.368G>A, p.Arg123Lys (NM_001257963.2); c.869G>A (NM_014476.4); short protein forms R202K, R290K, R242K, R123K.
Identifiers: ClinVar variation 2928588 (VCV002928588.4), dbSNP rs2095693278, ClinGen allele CA358921121.